The following is an entry in ClinVar:

NM_001370466.1(NOD2):c.1522C>T (p.Leu508=)

Gene: NOD2 (nucleotide binding oligomerization domain containing 2; plus strand). Cytogenetic location: 16q12.1.
Variant type: single nucleotide variant.
Coding change: c.1522C>T on transcript NM_001370466.1 (MANE Select); coding-DNA position 1522, C replaced by T.
Protein change: p.Leu508=; no amino-acid change (leucine 508 retained).
Molecular consequence: synonymous variant. On other transcripts: non-coding transcript variant (1).
Genome position (GRCh38, 1-based): chr16:50,711,514, C>T. VCF-style: chr16-50711514-C-T. GRCh37 (hg19) VCF-style: chr16-50745425-C-T.
Other names: c.1522C>T, p.Leu508= (NM_001293557.2); c.1603C>T, p.Leu535= (NM_022162.3); c.1603C>T (LRG_177t1).
Identifiers: ClinVar variation 319447 (VCV000319447.22), dbSNP rs145190613, ClinGen allele CA8051589.

ClinVar aggregate classification (germline): Conflicting classifications of pathogenicity. Review status: criteria provided, conflicting classifications (1 of 4 stars). 5 submissions from 4 submitters: Uncertain significance (1); Benign (2); Likely benign (2). Last evaluated 2025-12-10.

Conditions:
Blau syndrome (BLAUS). Also called: GRANULOMATOSIS, FAMILIAL JUVENILE SYSTEMIC; GRANULOMATOSIS, FAMILIAL, BLAU TYPE; GRANULOMATOUS INFLAMMATORY ARTHRITIS, DERMATITIS, AND UVEITIS, FAMILIAL; JABS SYNDROME; ARTHROCUTANEOUVEAL GRANULOMATOSIS. Identifiers: Orphanet 90340, MedGen C5201146, MONDO:0008523, OMIM 186580.
Regional enteritis. Also called: Enteritis, Granulomatous. Identifiers: MedGen C0678202, MeSH D003424.
Inflammatory bowel disease 1 (IBD1). Also called: INFLAMMATORY BOWEL DISEASE (CROHN DISEASE) 1; Inflammatory bowel disease 1, Crohn disease. Identifiers: MedGen CN260071, MONDO:0009960, OMIM 266600.

Allele frequency attached by ClinVar (database versions not stated): gnomAD exomes 0.00008 and 0.00014; ExAC 0.00014; ESP Exome Variant Server 0.00015; gnomAD 0.00015 and 0.00016; TOPMed 0.00015.
gnomAD v4.1: 142 of 1,613,394 alleles (0.0088%); highest among the groups gnomAD compares: Admixed American, 0.038%; 1 homozygote.

Submissions (5):

Labcorp Genetics (formerly Invitae), Labcorp
Classification: Benign for Regional enteritis; Blau syndrome. Last evaluated: 2025-12-10. Review status: criteria provided, single submitter. Criteria: Invitae Variant Classification Sherloc (09022015). Collection method: clinical testing. Allele origin: germline.

Blueprint Genetics
Classification: Likely benign. Last evaluated: 2024-06-28. Review status: criteria provided, single submitter. Criteria: ACMG Guidelines, 2015. Collection method: clinical testing. Allele origin: germline.

ARUP Laboratories, Molecular Genetics and Genomics, ARUP Laboratories
Classification: Likely benign. Last evaluated: 2020-12-11. Review status: criteria provided, single submitter. Criteria: ARUP Molecular Germline Variant Investigation Process 2021. Collection method: clinical testing. Allele origin: germline.

Illumina Laboratory Services, Illumina
Classification: Uncertain significance for Inflammatory bowel disease 1. Last evaluated: 2018-01-12. Review status: criteria provided, single submitter. Criteria: ICSL Variant Classification Criteria 13 December 2019. Collection method: clinical testing. Allele origin: germline.

Illumina Laboratory Services, Illumina
Classification: Benign for Blau syndrome. Last evaluated: 2018-01-12. Review status: criteria provided, single submitter. Criteria: ICSL Variant Classification Criteria 13 December 2019. Collection method: clinical testing. Allele origin: germline.
Comment: This variant was observed in the ICSL laboratory as part of a predisposition screen in an ostensibly healthy population. It had not been previously curated by ICSL or reported in the Human Gene Mutation Database (HGMD: prior to June 1st, 2018), and was therefore a candidate for classification through an automated scoring system. Utilizing variant allele frequency, disease prevalence and penetrance estimates, and inheritance mode, an automated score was calculated to assess if this variant is too frequent to cause the disease. Based on the score and internal cut-off values, a variant classified as benign is not then subjected to further curation. The score for this variant resulted in a classification of benign for this disease.